The following is an entry in ClinVar:

ClinVar aggregate classification (germline): Benign (1 of 4 stars; one submission).

Submission:

CeGaT Center for Human Genetics Tuebingen
Classification: Benign. Last evaluated: 2023-06-01. Review status: criteria provided, single submitter. Criteria: CeGaT Center For Human Genetics Tuebingen Variant Classification Criteria Version 2. Collection method: clinical testing. Allele origin: germline. Affected: yes. Observed: 11 variant alleles.
Comment: SPECC1L: BS1, BS2

NC_000022.11:g.24419445_24419462del

Genes: SPECC1L (sperm antigen with calponin homology and coiled-coil domains 1 like; plus strand), SPECC1L-ADORA2A (SPECC1L-ADORA2A readthrough (NMD candidate); plus strand). Cytogenetic location: 22q11.23.
Variant type: Deletion.
Genome position: GRCh38 VCF-style: chr22-24419434-TAAGGGCCAAGCAGAAAAG-T. GRCh37 (hg19) VCF-style: chr22-24815402-TAAGGGCCAAGCAGAAAAG-T.
Identifiers: ClinVar variation 1695039 (VCV001695039.31), dbSNP rs548830344, ClinGen allele CA322655592.
Genomic context (GRCh38, chr22:24,419,434, plus strand): 5'-GGTCTTTTGTCTGCACCCTCCCGTGTTTGTGAGGAAGGGGTGGCAGGGGGTCTGCAGTCT[TAAGGGCCAAGCAGAAAAG>T]AAGGGCCAAGGCAGGCACCCACCAGGCAGGAAGCAGGTGTGCCCTGAGGGGAAGGACAGG-3'